The following is an entry in ClinVar:

NM_001128840.3(CACNA1D):c.3296C>T (p.Thr1099Met)

Gene: CACNA1D (calcium voltage-gated channel subunit alpha1 D; plus strand). Cytogenetic location: 3p21.1.
Variant type: single nucleotide variant.
Coding change: c.3296C>T on transcript NM_001128840.3 (MANE Select); coding-DNA position 3296, C replaced by T.
Protein change: p.Thr1099Met; replaces threonine 1099 with methionine.
Molecular consequence: missense variant.
Genome position (GRCh38, 1-based): chr3:53,747,430, C>T. VCF-style: chr3-53747430-C-T. GRCh37 (hg19) VCF-style: chr3-53781457-C-T.
Other names: c.3356C>T, p.Thr1119Met (NM_000720.4); c.3296C>T, p.Thr1099Met (NM_001128839.3); short protein forms T1119M, T1099M.
Identifiers: ClinVar variation 373014 (VCV000373014.4), dbSNP rs1057518141, ClinGen allele CA16042531.
Genomic context (GRCh38, chr3:53,747,430, plus strand): 5'-ACAGTGATTTCAACTTCGACAACGTCCTCTCTGCTATGATGGCGCTCTTCACAGTCTCCA[C>T]GTTTGAGGGCTGGCCTGCGTAAGTACAGGGAGCACACAGTCTTCTGGAGAGGCACCTGCG-3'
Protein context (NP_001122312.1, residues 1089-1109): SAMMALFTVS[Thr1099Met]FEGWPALLYK

ClinVar aggregate classification (germline): Uncertain significance. Review status: criteria provided, multiple submitters, no conflicts (2 of 4 stars). 2 submissions from 2 submitters: Uncertain significance (2). Last evaluated 2022-11-12.

Allele frequency attached by ClinVar (database versions not stated): gnomAD exomes 0.00001.
gnomAD v4.1: 5 of 1,614,236 alleles (0.00031%); highest among the groups gnomAD compares: Admixed American, 0.0017%; no homozygotes.

Submissions (2):

Labcorp Genetics (formerly Invitae), Labcorp
Classification: Uncertain significance. Last evaluated: 2022-11-12. Review status: criteria provided, single submitter. Criteria: Invitae Variant Classification Sherloc (09022015). Collection method: clinical testing. Allele origin: germline.
Comment: This sequence change replaces threonine, which is neutral and polar, with methionine, which is neutral and non-polar, at codon 1119 of the CACNA1D protein (p.Thr1119Met). This variant is present in population databases (no rsID available, gnomAD 0.003%). This variant has not been reported in the literature in individuals affected with CACNA1D-related conditions. ClinVar contains an entry for this variant (Variation ID: 373014). Advanced modeling of protein sequence and biophysical properties (such as structural, functional, and spatial information, amino acid conservation, physicochemical variation, residue mobility, and thermodynamic stability) performed at Invitae indicates that this missense variant is expected to disrupt CACNA1D protein function. In summary, the available evidence is currently insufficient to determine the role of this variant in disease. Therefore, it has been classified as a Variant of Uncertain Significance.

GeneDx
Classification: Uncertain significance. Last evaluated: 2016-09-15. Review status: criteria provided, single submitter. Criteria: GeneDx Variant Classification (06012015). Collection method: clinical testing. Allele origin: germline. Affected: yes.
Comment: The T1119M variant in the CACNA1D gene has not been reported previously as a pathogenic variant, nor as a benign variant, to our knowledge. The T1119M variant was not observed in approximately 6500 individuals of European and African American ancestry in the NHLBI Exome Sequencing Project, indicating it is not a common benign variant in these populations. The T1119M variant is a non-conservative amino acid substitution, which is likely to impact secondary protein structure as these residues differ in polarity, charge, size and/or other properties. This substitution occurs at a position that is conserved across species. In silico analysis predicts this variant is probably damaging to the protein structure/function. We interpret T1119M in the CACNA1D as a variant of uncertain significance.